The following is an entry in ClinVar:

ClinVar aggregate classification (germline): Uncertain significance (1 of 4 stars; one submission).

Submission:

GeneDx
Classification: Uncertain significance. Last evaluated: 2024-09-25. Review status: criteria provided, single submitter. Criteria: GeneDx Variant Classification Process June 2021. Collection method: clinical testing. Allele origin: germline. Affected: yes.
Comment: Not observed at significant frequency in large population cohorts (gnomAD); In silico analysis indicates that this missense variant does not alter protein structure/function; Has not been previously published as pathogenic or benign to our knowledge

NM_001395002.1(MAP4K4):c.3036T>G (p.Ile1012Met)

Gene: MAP4K4 (mitogen-activated protein kinase kinase kinase kinase 4; plus strand). Cytogenetic location: 2q11.2.
Variant type: single nucleotide variant.
Coding change: c.3036T>G on transcript NM_001395002.1 (MANE Select); coding-DNA position 3036, T replaced by G.
Protein change: p.Ile1012Met; replaces isoleucine 1012 with methionine.
Molecular consequence: missense variant. On other transcripts: non-coding transcript variant (4).
Genome position (GRCh38, 1-based): chr2:101,873,730, T>G. VCF-style: chr2-101873730-T-G. GRCh37 (hg19) VCF-style: chr2-102490192-T-G.
Other names: c.2601T>G, p.Ile867Met (NM_001242559.2); c.2589T>G, p.Ile863Met (NM_001242560.2); c.2679T>G, p.Ile893Met (NM_001384476.1); c.2868T>G, p.Ile956Met (NM_001384477.1); c.2358T>G, p.Ile786Met (NM_001384478.1); c.2796T>G, p.Ile932Met (NM_001384481.1); c.2349T>G, p.Ile783Met (NM_001384482.1); c.2631T>G, p.Ile877Met (NM_001384483.1); and 39 more; short protein forms I1009M, I1012M, I777M, I783M, I785M, I786M, I805M, I816M.
Identifiers: ClinVar variation 3774681 (VCV003774681.1).